The following is an entry in ClinVar:

NM_001737.5(C9):c.1240+2T>C

Gene: C9 (complement C9; minus strand). Cytogenetic location: 5p13.1.
Variant type: single nucleotide variant.
Coding change: c.1240+2T>C on transcript NM_001737.5 (MANE Select); the canonical splice donor site of the intron after coding-DNA position 1240, T replaced by C.
Molecular consequence: splice donor variant.
Genome position (GRCh38, 1-based): chr5:39,308,228, A>G on the plus strand (T>C on the coding strand, the complement: C9 is on the minus strand). VCF-style: chr5-39308228-A-G. GRCh37 (hg19) VCF-style: chr5-39308330-A-G.
Identifiers: ClinVar variation 1911519 (VCV001911519.6), dbSNP rs142654382, ClinGen allele CA3246755.

ClinVar aggregate classification (germline): Conflicting classifications of pathogenicity. Review status: criteria provided, conflicting classifications (1 of 4 stars). 2 submissions from 2 submitters: Likely pathogenic (1); Uncertain significance (1). Last evaluated 2024-09-03.

Conditions:
C9-related disorders.

Allele frequency attached by ClinVar (database versions not stated): TOPMed 0.00002; ESP Exome Variant Server 0.00008; gnomAD exomes 0.00018; gnomAD 0.00033; 1000 Genomes Project 0.00040; ExAC 0.00040; 1000 Genomes Project 30x 0.00047.

Submissions (2):

Labcorp Genetics (formerly Invitae), Labcorp
Classification: Uncertain significance. Last evaluated: 2024-09-03. Review status: criteria provided, single submitter. Criteria: Invitae Variant Classification Sherloc (09022015). Collection method: clinical testing. Allele origin: germline.
Comment: This sequence change affects a donor splice site in intron 8 of the C9 gene. It is expected to disrupt RNA splicing. Variants that disrupt the donor or acceptor splice site typically lead to a loss of protein function (PMID: 16199547), and loss-of-function variants in C9 are known to be pathogenic (PMID: 9144525, 9570574). This variant is present in population databases (rs142654382, gnomAD 0.5%), and has an allele count higher than expected for a pathogenic variant. This variant has not been reported in the literature in individuals affected with C9-related conditions. ClinVar contains an entry for this variant (Variation ID: 1911519). Algorithms developed to predict the effect of sequence changes on RNA splicing suggest that this variant may disrupt the consensus splice site. In summary, the available evidence is currently insufficient to determine the role of this variant in disease. Therefore, it has been classified as a Variant of Uncertain Significance.

Blueprint Genetics
Classification: Likely pathogenic for C9-related disorders. Last evaluated: 2023-05-10. Review status: criteria provided, single submitter. Criteria: ACMG Guidelines, 2015. Collection method: clinical testing. Allele origin: germline. Affected: yes. Observed: 5 variant alleles.

Literature cited by the submitters: PubMed 16199547 (cited by Labcorp Genetics (formerly Invitae), Labcorp); PubMed 9144525 (cited by Labcorp Genetics (formerly Invitae), Labcorp); PubMed 9570574 (cited by Labcorp Genetics (formerly Invitae), Labcorp).